The following continues an entry in ClinVar:

NM_001089.3(ABCA3):c.838C>T (p.Arg280Cys)

Gene: ABCA3. ClinVar aggregate classification (germline): Conflicting classifications of pathogenicity. Pathogenic (1); Likely pathogenic (6); Uncertain significance (3).

Submissions 9 to 10 of 10:

Laboratory for Molecular Medicine, Mass General Brigham Personalized Medicine
Classification: Uncertain significance. Last evaluated: 2018-07-05. Review status: criteria provided, single submitter. Criteria: LMM Criteria. Collection method: clinical testing. Allele origin: germline. Observed: 1 variant allele.
Comment: The p.Arg280Cys variant in ABCA3 has been reported in the compound heterozygous state in 1 individual with interstitial lung disease (ILD) and has also been rep orted in cis with the p.Q1589X variant in ABCA3 in 2 individuals with ILD who c arried another variant in trans (Williamson 2014, Wambach 2014, Jackson 2015). I n vitro functional studies provide some evidence that the p.Arg280Cys variant ma y impact protein function (Weichert 2011). However, these types of assays may no t accurately represent biological function. This variant has been reported in Cl inVar (Variation ID: 318566) and has been identified in 30/111616 European chrom osomes by the Genome Aggregation Database (gnomAD. org/; dbSNP rs201299260). Computational prediction tools and conservation analys is suggest that the p.Arg280Cys variant may impact the protein, though this info rmation is not predictive enough to determine pathogenicity. In summary, the cli nical significance of the p.Arg280Cys variant is uncertain. ACMG/AMP Criteria ap plied: PP3, PS3_Supporting, PM3_Supporting, BP2.

Ambry Genetics
Classification: Likely pathogenic for Hereditary pulmonary alveolar proteinosis. Last evaluated: 2015-10-08. Review status: criteria provided, single submitter. Criteria: Ambry Variant Classification Scheme 2023. Collection method: clinical testing. Allele origin: germline.
Comment: The p.R280C variant (also known as c.838C>T), located in coding exon 5 of the ABCA3 gene, results from a C to T substitution at nucleotide position 838. The arginine at codon 280 is replaced by cysteine, an amino acid with highly dissimilar properties. This alteration was identified in conjunction with p.E690G in an individual with respiratory distress; however, information on the phase (cis/trans) of the two alterations was not provided (Williamson M and Wallis C Pediatr. Pulmonol. 2014; 49:299-301). Functional studies showed this mutation can lead to partial retention of the ABCA3 protein in the endoplasmic reticulum (ER) and induce apoptosis of lung epithelial cells (Weichert N et al. Respir. Res. 2011; 12:4). Based on the available evidence to date, this variant is likely to be pathogenic.

Literature cited by the submitters: PubMed 27516224 (cited by Victorian Clinical Genetics Services, Murdoch Childrens Research Institute); PubMed 36370864 (cited by Victorian Clinical Genetics Services, Murdoch Childrens Research Institute); PubMed 37780198 (cited by Victorian Clinical Genetics Services, Murdoch Childrens Research Institute); PubMed 20656946 (cited by Victorian Clinical Genetics Services, Murdoch Childrens Research Institute); PubMed 37175887 (cited by Victorian Clinical Genetics Services, Murdoch Childrens Research Institute); PubMed 33708521 (cited by Victorian Clinical Genetics Services, Murdoch Childrens Research Institute); PubMed 21214890 (cited by 6 submitters); PubMed 37108718 (cited by Victorian Clinical Genetics Services, Murdoch Childrens Research Institute); PubMed 38575158 (cited by Victorian Clinical Genetics Services, Murdoch Childrens Research Institute); PubMed 39457702 (cited by Victorian Clinical Genetics Services, Murdoch Childrens Research Institute); PubMed 24115460 (cited by 5 submitters); PubMed 24871971 (cited by 3 submitters); PubMed 25712598 (cited by 5 submitters); PubMed 27670912 (cited by Dasa); PubMed 17517255 (cited by 5 submitters); PubMed 32238781 (cited by Labcorp Genetics (formerly Invitae), Labcorp); PubMed 35078193 (cited by Labcorp Genetics (formerly Invitae), Labcorp); PubMed 23625987 (cited by Women's Health and Genetics/Laboratory Corporation of America, LabCorp); PubMed 23166334 (cited by Laboratory for Molecular Medicine, Mass General Brigham Personalized Medicine).